The following is an entry in ClinVar:

NM_138387.4(G6PC3):c.457T>C (p.Phe153Leu)

Gene: G6PC3 (glucose-6-phosphatase catalytic subunit 3; plus strand). Cytogenetic location: 17q21.31.
Variant type: single nucleotide variant.
Coding change: c.457T>C on transcript NM_138387.4 (MANE Select); coding-DNA position 457, T replaced by C.
Protein change: p.Phe153Leu; replaces phenylalanine 153 with leucine.
Molecular consequence: missense variant. On other transcripts: intron variant (1).
Genome position (GRCh38, 1-based): chr17:44,075,009, T>C. VCF-style: chr17-44075009-T-C. GRCh37 (hg19) VCF-style: chr17-42152377-T-C.
Other names: c.112T>C, p.Phe38Leu (NM_001384165.1, NM_001384166.1, NM_001384167.1 and 1 more transcripts); c.416+239T>C (NM_001319945.2); short protein forms F38L, F153L.
Identifiers: ClinVar variation 3852340 (VCV003852340.1).

ClinVar aggregate classification (germline): Uncertain significance (1 of 4 stars; one submission).

Conditions:
Inborn genetic diseases. Identifiers: MedGen C0950123, MeSH D030342.

Submission:

Ambry Genetics
Classification: Uncertain significance for Inborn genetic diseases. Last evaluated: 2025-01-06. Review status: criteria provided, single submitter. Criteria: Ambry Variant Classification Scheme 2023. Collection method: clinical testing. Allele origin: germline.
Comment: The p.F153L variant (also known as c.457T>C), located in coding exon 4 of the G6PC3 gene, results from a T to C substitution at nucleotide position 457. The phenylalanine at codon 153 is replaced by leucine, an amino acid with highly similar properties. This amino acid position is conserved. In addition, this alteration is predicted to be tolerated by in silico analysis. Based on the available evidence, the clinical significance of this variant remains unclear.